The following is an entry in ClinVar:

ClinVar aggregate classification (germline): Conflicting classifications of pathogenicity. Review status: criteria provided, conflicting classifications (1 of 4 stars). 3 submissions from 3 submitters: Uncertain significance (1); Benign (1); Likely benign (1). Last evaluated 2026-01-18.

Conditions:
Generalized epilepsy-paroxysmal dyskinesia syndrome (PNKD3). Also called: Generalized epilepsy and paroxysmal dyskinesia; Paroxysmal nonkinesigenic dyskinesia, 3, with or without generalized epilepsy. Identifiers: Orphanet 79137, MedGen C5574945, MONDO:0012276, OMIM 609446.

Allele frequency attached by ClinVar (database versions not stated): gnomAD exomes 0.00006 and 0.00015; gnomAD 0.00012 and 0.00013; TOPMed 0.00014; ESP Exome Variant Server 0.00015; ExAC 0.00019; 1000 Genomes Project 30x 0.00031; 1000 Genomes Project 0.00040.
gnomAD v4.1: 102 of 1,611,690 alleles (0.0063%); highest among the groups gnomAD compares: East Asian, 0.063%; no homozygotes.

Submissions (3):

Labcorp Genetics (formerly Invitae), Labcorp
Classification: Benign for Generalized epilepsy-paroxysmal dyskinesia syndrome. Last evaluated: 2026-01-18. Review status: criteria provided, single submitter. Criteria: Invitae Variant Classification Sherloc (09022015). Collection method: clinical testing. Allele origin: germline.

CeGaT Center for Human Genetics Tuebingen
Classification: Likely benign. Last evaluated: 2023-05-01. Review status: criteria provided, single submitter. Criteria: CeGaT Center For Human Genetics Tuebingen Variant Classification Criteria Version 2. Collection method: clinical testing. Allele origin: germline. Affected: yes. Observed: 1 variant allele.
Comment: KCNMA1: BP4, BP7

Eurofins Ntd Llc (ga)
Classification: Uncertain significance. Last evaluated: 2016-07-29. Review status: criteria provided, single submitter. Criteria: EGL Classification Definitions 2015. Collection method: clinical testing. Allele origin: germline. Observed: 1 variant allele, 1 heterozygote.

NM_001161352.2(KCNMA1):c.711C>T (p.Asn237=)

Gene: KCNMA1 (potassium calcium-activated channel subfamily M alpha 1; minus strand). Cytogenetic location: 10q22.3.
Variant type: single nucleotide variant.
Coding change: c.711C>T on transcript NM_001161352.2 (MANE Select); coding-DNA position 711, C replaced by T.
Protein change: p.Asn237=; no amino-acid change (asparagine 237 retained).
Molecular consequence: synonymous variant.
Genome position (GRCh38, 1-based): chr10:77,183,518, G>A on the plus strand (C>T on the coding strand, the complement: KCNMA1 is on the minus strand). VCF-style: chr10-77183518-G-A. GRCh37 (hg19) VCF-style: chr10-78943276-G-A.
Other names: c.711C>T, p.Asn237= (NM_001014797.3, NM_001161353.2, NM_001271519.2 and 7 more transcripts); c.549C>T, p.Asn183= (NM_001271518.2); c.171C>T, p.Asn57= (NM_001322838.2).
Identifiers: ClinVar variation 289500 (VCV000289500.42), dbSNP rs139309224, ClinGen allele CA5568620.